The following is an entry in ClinVar:

NM_005866.4(SIGMAR1):c.476C>T (p.Ala159Val)

Gene: SIGMAR1 (sigma receptor chaperone 1; minus strand). Cytogenetic location: 9p13.3.
Variant type: single nucleotide variant.
Coding change: c.476C>T on transcript NM_005866.4 (MANE Select); coding-DNA position 476, C replaced by T.
Protein change: p.Ala159Val; replaces alanine 159 with valine.
Molecular consequence: missense variant. On other transcripts: 3 prime UTR variant (2), non-coding transcript variant (1), intron variant (1).
Genome position (GRCh38, 1-based): chr9:34,635,828, G>A on the plus strand (C>T on the coding strand, the complement: SIGMAR1 is on the minus strand). VCF-style: chr9-34635828-G-A. GRCh37 (hg19) VCF-style: chr9-34635825-G-A.
Other names: c.176C>T, p.Ala59Val (NM_001282206.2); c.416C>T, p.Ala139Val (NM_001282207.2); c.*19C>T (NM_001282208.2); c.*3C>T (NM_001282209.2); c.383C>T, p.Ala128Val (NM_147157.3); c.446-188C>T (NM_001282205.2); short protein forms A128V, A59V, A139V, A159V.
Identifiers: ClinVar variation 851297 (VCV000851297.10), dbSNP rs202244713, ClinGen allele CA192661258.

ClinVar aggregate classification (germline): Uncertain significance (1 of 4 stars; one submission).

Conditions:
Autosomal recessive distal spinal muscular atrophy 2. Also called: NEURONOPATHY, DISTAL HEREDITARY MOTOR, JERASH TYPE; NEUROPATHY, DISTAL HEREDITARY MOTOR, JERASH TYPE; NEUROPATHY, DISTAL HEREDITARY MOTOR, AUTOSOMAL RECESSIVE 2; Hereditary motor neuropathy, Jerash type; Motor neuropathy, distal, Jerash type; SPINAL MUSCULAR ATROPHY, JERASH TYPE. Identifiers: Orphanet 139552, MedGen C1854023, MONDO:0011585, OMIM 605726.
Amyotrophic lateral sclerosis type 16. Also called: AMYOTROPHIC LATERAL SCLEROSIS 16, JUVENILE. Identifiers: Orphanet 300605, MedGen C3280587, MONDO:0013715, OMIM 614373.

Allele frequency attached by ClinVar (database versions not stated): gnomAD exomes below 0.00001 and 0.00001; TOPMed below 0.00001; 1000 Genomes Project 30x 0.00016; gnomAD 0.00001; 1000 Genomes Project 0.00020.
gnomAD v4.1: 15 of 1,614,150 alleles (0.00093%); highest among the groups gnomAD compares: East Asian, 0.031%; no homozygotes.

Submission:

Labcorp Genetics (formerly Invitae), Labcorp
Classification: Uncertain significance for Autosomal recessive distal spinal muscular atrophy 2; Amyotrophic lateral sclerosis type 16. Last evaluated: 2022-07-06. Review status: criteria provided, single submitter. Criteria: Invitae Variant Classification Sherloc (09022015). Collection method: clinical testing. Allele origin: germline.
Comment: In summary, the available evidence is currently insufficient to determine the role of this variant in disease. Therefore, it has been classified as a Variant of Uncertain Significance. Algorithms developed to predict the effect of sequence changes on RNA splicing suggest that this variant may create or strengthen a splice site. Algorithms developed to predict the effect of missense changes on protein structure and function are either unavailable or do not agree on the potential impact of this missense change (SIFT: "Deleterious"; PolyPhen-2: "Benign"; Align-GVGD: "Class C0"). ClinVar contains an entry for this variant (Variation ID: 851297). This variant has not been reported in the literature in individuals affected with SIGMAR1-related conditions. This variant is not present in population databases (gnomAD no frequency). This sequence change replaces alanine, which is neutral and non-polar, with valine, which is neutral and non-polar, at codon 159 of the SIGMAR1 protein (p.Ala159Val).